The following is an entry in ClinVar:

NM_001145026.2(PTPRQ):c.5221G>T (p.Asp1741Tyr)

Gene: PTPRQ (protein tyrosine phosphatase receptor type Q; plus strand). Cytogenetic location: 12q21.31.
Variant type: single nucleotide variant.
Coding change: c.5221G>T on transcript NM_001145026.2 (MANE Select); coding-DNA position 5221, G replaced by T.
Protein change: p.Asp1741Tyr; replaces aspartic acid 1741 with tyrosine.
Molecular consequence: missense variant.
Genome position (GRCh38, 1-based): chr12:80,616,257, G>T. VCF-style: chr12-80616257-G-T. GRCh37 (hg19) VCF-style: chr12-81010036-G-T.
Other names: short protein forms D1741Y.
Identifiers: ClinVar variation 3253304 (VCV003253304.1), dbSNP rs998741590.

ClinVar aggregate classification (germline): Uncertain significance (1 of 4 stars; one submission).

Allele frequency attached by ClinVar (database versions not stated): gnomAD 0.00001; TOPMed 0.00003.
gnomAD v4.1: 23 of 1,485,698 alleles (0.0015%); highest among the groups gnomAD compares: Non-Finnish European, 0.00027%; no homozygotes.

Submission:

GeneDx
Classification: Uncertain significance. Last evaluated: 2023-09-19. Review status: criteria provided, single submitter. Criteria: GeneDx Variant Classification Process June 2021. Collection method: clinical testing. Allele origin: germline. Affected: yes.
Comment: In silico analysis supports that this missense variant has a deleterious effect on protein structure/function; Has not been previously published as pathogenic or benign to our knowledge